The following is an entry in ClinVar:

NM_024537.4(CARS2):c.655G>A (p.Ala219Thr)

Gene: CARS2 (cysteinyl-tRNA synthetase 2, mitochondrial; minus strand). Cytogenetic location: 13q34.
Variant type: single nucleotide variant.
Coding change: c.655G>A on transcript NM_024537.4 (MANE Select); coding-DNA position 655, G replaced by A.
Protein change: p.Ala219Thr; replaces alanine 219 with threonine.
Molecular consequence: missense variant. On other transcripts: 5 prime UTR variant (1), non-coding transcript variant (2).
Genome position (GRCh38, 1-based): chr13:110,683,051, C>T on the plus strand (G>A on the coding strand, the complement: CARS2 is on the minus strand). VCF-style: chr13-110683051-C-T. GRCh37 (hg19) VCF-style: chr13-111335398-C-T.
Other names: c.-132G>A (NM_001352252.2); c.655G>A, p.Ala219Thr (NM_001352253.3); c.655G>A (NM_024537.3); short protein forms A219T.
Identifiers: ClinVar variation 180135 (VCV000180135.14), dbSNP rs727505361, ClinGen allele CA210625.
Genomic context (GRCh38, chr13:110,683,051, plus strand): 5'-CCAGAGCTGAGACCCGAGGCAGAGGTCAGGGACCCACAGGGCTGAGCCCGGCCAACCCAC[C>T]TGGCTCTCCGACTGGACCAGGGACCACGCCGACCAATTTGCCATACTTGTCTCCTCTAGA-3'
Protein context (NP_078813.1, residues 209-229): GVVPGPVGEP[Ala219Thr]DSDKRHASDF

ClinVar aggregate classification (germline): Pathogenic/Likely pathogenic. Review status: criteria provided, multiple submitters, no conflicts (2 of 4 stars). 8 submissions from 8 submitters: Pathogenic (2); Likely pathogenic (4). 2 of the submissions do not count toward it. Last evaluated 2025-08-26.

Conditions:
CARS2-related disorder. Also called: CARS2-related condition.
Combined oxidative phosphorylation defect type 27. Also called: Combined oxidative phosphorylation deficiency 27. Identifiers: Orphanet 477774, MedGen C5567608, MONDO:0014728, OMIM 616672.

Allele frequency attached by ClinVar (database versions not stated): gnomAD 0.00001; gnomAD exomes 0.00001; ExAC 0.00002; TOPMed 0.00002.
gnomAD v4.1: 23 of 1,598,120 alleles (0.0014%); highest among the groups gnomAD compares: Middle Eastern, 0.021%; no homozygotes.

Submissions (8):

First Genomix Gene Laboratory, Genetic Diagnostics Department
Classification: Pathogenic for Combined oxidative phosphorylation defect type 27. Last evaluated: 2025-08-26. Review status: criteria provided, single submitter. Criteria: ACMG Guidelines, 2015. Collection method: clinical testing. Allele origin: germline. Inheritance: Autosomal recessive inheritance. Affected: no. Observed: 1 variant allele.

Labcorp Genetics (formerly Invitae), Labcorp
Classification: Likely pathogenic for Combined oxidative phosphorylation defect type 27. Last evaluated: 2025-05-19. Review status: criteria provided, single submitter. Criteria: Invitae Variant Classification Sherloc (09022015). Collection method: clinical testing. Allele origin: germline.
Comment: This sequence change affects codon 219 of the CARS2 mRNA. It is a 'silent' change, meaning that it does not change the encoded amino acid sequence of the CARS2 protein. RNA analysis indicates that this variant induces altered splicing and likely results in a shortened protein product. This variant is present in population databases (rs727505361, gnomAD 0.003%). This variant has been observed in individuals with clinical features of CARS2-related conditions (PMID: 25361775, 34704010, 37151360, 37359369). It has also been observed to segregate with disease in related individuals. ClinVar contains an entry for this variant (Variation ID: 180135). An algorithm developed to predict the effect of missense changes on protein structure and function (PolyPhen-2) suggests that this variant is likely to be tolerated. Variants that disrupt the consensus splice site are a relatively common cause of aberrant splicing (PMID: 17576681, 9536098). Studies have shown that this variant results in skipping of exon 6, but is expected to preserve the integrity of the reading-frame (PMID: 25361775). In summary, the currently available evidence indicates that the variant is pathogenic, but additional data are needed to prove that conclusively. Therefore, this variant has been classified as Likely Pathogenic.

GeneDx
Classification: Likely pathogenic. Last evaluated: 2024-02-12. Review status: criteria provided, single submitter. Criteria: GeneDx Variant Classification Process June 2021. Collection method: clinical testing. Allele origin: germline. Affected: yes.
Comment: Not observed at significant frequency in large population cohorts (gnomAD); In silico analysis supports that this missense variant does not alter protein structure/function; In silico analysis supports that this missense variant has a deleterious effect on protein structure/function; Messenger RNA studies show the variant leads to loss of exon 6 resulting in an in frame deletion of 28 amino acids belonging to a conserved surface loop of the cysteinyl-tRNA synthetase protein (PMID: 25361775); This variant is associated with the following publications: (PMID: 25361775, 37359369, 37151360, 34704010)

Blueprint Genetics
Classification: Pathogenic for CARS2-related disorders. Last evaluated: 2023-11-07. Review status: criteria provided, single submitter. Criteria: ACMG Guidelines, 2015. Collection method: clinical testing. Allele origin: germline. Affected: yes. Observed: 1 variant allele.

3billion
Classification: Likely pathogenic for Combined oxidative phosphorylation defect type 27. Last evaluated: 2023-08-14. Review status: criteria provided, single submitter. Criteria: ACMG Guidelines, 2015. Collection method: clinical testing. Allele origin: germline. Affected: yes.
Comment: The variant is observed at an extremely low frequency in the gnomAD v2.1.1 dataset (total allele frequency: 0.001%). Predicted Consequence/Location: Missense variant Functional studies provide moderate evidence of the variant having a damaging effect on the gene or gene product (PMID: 25361775). In silico tools predict the variant to alter splicing and produce an abnormal transcript [SpliceAI: 0.92 (>=0.2, moderate evidence for spliceogenicity)]. Same nucleotide change resulting in same amino acid change has been previously reported to be associated with CARS2 related disorder (ClinVar ID: VCV000180135 /PMID: 25361775 /3billion dataset). The variant has been reported to be in trans with a pathogenic variant as either compound heterozygous or homozygous in at least one similarly affected unrelated individual (PMID: 25361775). The variant has been reported to co-segregate with the disease in at least one similarly affected relative/individual in the same family or similarly affected unrelated family (PMID: 25361775). Therefore, this variant is classified as Likely pathogenic according to the recommendation of ACMG/AMP guideline.

Neuberg Centre For Genomic Medicine, NCGM
Classification: Likely pathogenic for Combined oxidative phosphorylation defect type 27. Review status: criteria provided, single submitter. Criteria: ACMG Guidelines, 2015. Collection method: clinical testing. Allele origin: germline. Inheritance: Autosomal recessive inheritance. Affected: yes.
Comment: The missense c.655G>A p.Ala219Thr variant in CARS2 gene has been reported in homozygous state in multiple individuals affected with Combined oxidative phosphorylation deficiency 27 Kapoor D et al. 2021; Chen T et al. 2017; Hallmann K et al. 2014. The p.Ala219Thr variant has allele frequency 0.001% in gnomAD Exomes and is novel not in any individuals in 1000 Genomes. This variant has been reported to the ClinVar database as Uncertain Significance / Pathogenic / Likely pathogenic.The amino acid change p.Ala219Thr in CARS2 is predicted as conserved by GERP++ and PhyloP across 100 vertebrates. The amino acid Ala at position 219 is changed to a Thr changing protein sequence and it might alter its composition and physico-chemical properties. Functional studies are required to prove the pathogenicity for the variant, for these reasons, this variant has been classified as Likely Pathogenic.

Rare Genetic Disease Lab, Dept of Zoology, Government Postgraduate College Dargai Malakand, Higher Education Govt. of Khyber Pakhtunkhwa
Classification: Likely pathogenic for Combined oxidative phosphorylation defect type 27. Last evaluated: 2023-02-06. Review status: no assertion criteria provided. Collection method: clinical testing. Allele origin: biparental. Inheritance: Autosomal recessive inheritance. Affected: yes. Observed: 1 homozygote. Not counted in ClinVar's aggregate classification.

OMIM
Classification: Pathogenic for COMBINED OXIDATIVE PHOSPHORYLATION DEFICIENCY 27. Last evaluated: 2014-12-02. Review status: no assertion criteria provided. Collection method: literature only. Allele origin: germline. Not counted in ClinVar's aggregate classification.

Literature cited by the submitters: PubMed 25361775 (cited by 3 submitters); PubMed 34704010 (cited by Labcorp Genetics (formerly Invitae), Labcorp); PubMed 37151360 (cited by Labcorp Genetics (formerly Invitae), Labcorp); PubMed 37359369 (cited by Labcorp Genetics (formerly Invitae), Labcorp); PubMed 17576681 (cited by Labcorp Genetics (formerly Invitae), Labcorp); PubMed 9536098 (cited by Labcorp Genetics (formerly Invitae), Labcorp); PMC 4544753 (cited by Rare Genetic Disease Lab, Dept of Zoology, Government Postgraduate College Dargai Malakand, Higher Education Govt. of Khyber Pakhtunkhwa).